The following is an entry in ClinVar:

NM_017780.4(CHD7):c.7310G>A (p.Gly2437Glu)

Gene: CHD7 (chromodomain helicase DNA binding protein 7; plus strand). Cytogenetic location: 8q12.2.
Variant type: single nucleotide variant.
Coding change: c.7310G>A on transcript NM_017780.4 (MANE Select); coding-DNA position 7310, G replaced by A.
Protein change: p.Gly2437Glu; replaces glycine 2437 with glutamic acid.
Molecular consequence: missense variant. On other transcripts: intron variant (1).
Genome position (GRCh38, 1-based): chr8:60,856,590, G>A. VCF-style: chr8-60856590-G-A. GRCh37 (hg19) VCF-style: chr8-61769149-G-A.
Other names: c.1717-5639G>A (NM_001316690.1); short protein forms G2437E.
Identifiers: ClinVar variation 2824296 (VCV002824296.3), dbSNP rs2488074323, ClinGen allele CA371300758.

ClinVar aggregate classification (germline): Uncertain significance (1 of 4 stars; one submission).

Conditions:
CHARGE syndrome (CHARGE). Also called: Hittner Hirsch Kreh syndrome; CHARGE ASSOCIATION--COLOBOMA, HEART ANOMALY, CHOANAL ATRESIA, RETARDATION, GENITAL AND EAR ANOMALIES; Coloboma, heart anomaly, choanal atresia, retardation, genital and ear anomalies; CHARGE association; Hall-Hittner syndrome. Identifiers: Orphanet 138, MedGen C0265354, MONDO:0008965.

Submission:

Labcorp Genetics (formerly Invitae), Labcorp
Classification: Uncertain significance for CHARGE syndrome. Last evaluated: 2022-12-26. Review status: criteria provided, single submitter. Criteria: Invitae Variant Classification Sherloc (09022015). Collection method: clinical testing. Allele origin: germline.
Comment: This sequence change replaces glycine, which is neutral and non-polar, with glutamic acid, which is acidic and polar, at codon 2437 of the CHD7 protein (p.Gly2437Glu). This variant is not present in population databases (gnomAD no frequency). This variant has not been reported in the literature in individuals affected with CHD7-related conditions. Advanced modeling of protein sequence and biophysical properties (such as structural, functional, and spatial information, amino acid conservation, physicochemical variation, residue mobility, and thermodynamic stability) performed at Invitae indicates that this missense variant is not expected to disrupt CHD7 protein function. In summary, the available evidence is currently insufficient to determine the role of this variant in disease. Therefore, it has been classified as a Variant of Uncertain Significance.